The following is an entry in ClinVar:

NM_000092.5(COL4A4):c.1987+91T>C

Gene: COL4A4 (collagen type IV alpha 4 chain; minus strand). Cytogenetic location: 2q36.3.
Variant type: single nucleotide variant.
Coding change: c.1987+91T>C on transcript NM_000092.5 (MANE Select); 91 bases into the intron after coding-DNA position 1987, T replaced by C.
Molecular consequence: intron variant.
Genome position (GRCh38, 1-based): chr2:227,077,803, A>G on the plus strand (T>C on the coding strand, the complement: COL4A4 is on the minus strand). VCF-style: chr2-227077803-A-G. GRCh37 (hg19) VCF-style: chr2-227942519-A-G.
Identifiers: ClinVar variation 682798 (VCV000682798.5), dbSNP rs7597336, ClinGen allele CA11219103.
Genomic context (GRCh38, chr2:227,077,803, plus strand): 5'-CAAAAATCTACACGTTAGGTAAAATGTACACTACTCGGGTGACAGGTACACTAAAATCTC[A>G]GAATTCACCACTATATAATTCTTCCACATAAGAAAAATAAACACTTGTACCCCAAAGCTA-3'

ClinVar aggregate classification (germline): Benign. Review status: criteria provided, multiple submitters, no conflicts (2 of 4 stars). 3 submissions from 3 submitters: Benign (3). Last evaluated 2021-07-10.

Conditions:
Autosomal recessive Alport syndrome (ATS2). Also called: COL4A3-Related Nephropathy; Alport syndrome type 2; COL4A4 Alport Syndrome and Thin Basement Membrane Nephropathy; ALPORT SYNDROME 2, AUTOSOMAL RECESSIVE. Identifiers: Orphanet 63, Orphanet 88919, MedGen C4746745, MONDO:0008762, OMIM 203780.

Allele frequency attached by ClinVar (database versions not stated): gnomAD exomes 0.12140; 1000 Genomes Project 0.14157; 1000 Genomes Project 30x 0.14522; gnomAD 0.15632 and 0.16109; TOPMed 0.16429.
gnomAD v4.1: 153,637 of 1,217,962 alleles (13%); highest among the groups gnomAD compares: African/African-American, 28%; 11,192 homozygotes.

Submissions (3):

Genome-Nilou Lab
Classification: Benign for Autosomal recessive Alport syndrome. Last evaluated: 2021-07-10. Review status: criteria provided, single submitter. Criteria: ACMG Guidelines, 2015. Collection method: clinical testing. Allele origin: germline. Affected: no.

GeneDx
Classification: Benign. Last evaluated: 2018-06-14. Review status: criteria provided, single submitter. Criteria: GeneDx Variant Classification (06012015). Collection method: clinical testing. Allele origin: germline. Affected: yes.
Comment: This variant is considered likely benign or benign based on one or more of the following criteria: it is a conservative change, it occurs at a poorly conserved position in the protein, it is predicted to be benign by multiple in silico algorithms, and/or has population frequency not consistent with disease.

Breakthrough Genomics
Classification: Benign. Review status: criteria provided, single submitter. Criteria: ACMG Guidelines, 2015. Collection method: not provided. Allele origin: germline. Inheritance: Autosomal recessive inheritance. Affected: yes.